The following is an entry in ClinVar:

NM_024408.4(NOTCH2):c.2960A>G (p.Asn987Ser)

Gene: NOTCH2 (notch receptor 2; minus strand). Cytogenetic location: 1p12.
Variant type: single nucleotide variant.
Coding change: c.2960A>G on transcript NM_024408.4 (MANE Select); coding-DNA position 2960, A replaced by G.
Protein change: p.Asn987Ser; replaces asparagine 987 with serine.
Molecular consequence: missense variant.
Genome position (GRCh38, 1-based): chr1:119,941,547, T>C on the plus strand (A>G on the coding strand, the complement: NOTCH2 is on the minus strand). VCF-style: chr1-119941547-T-C. GRCh37 (hg19) VCF-style: chr1-120484170-T-C.
Other names: c.2960A>G, p.Asn987Ser (NM_001200001.2); short protein forms N987S.
Identifiers: ClinVar variation 4736581 (VCV004736581.1).

ClinVar aggregate classification (germline): Uncertain significance (1 of 4 stars; one submission).

Conditions:
Hajdu-Cheney syndrome (HJCYS). Also called: ACROOSTEOLYSIS WITH OSTEOPOROSIS AND CHANGES IN SKULL AND MANDIBLE; SERPENTINE FIBULA-POLYCYSTIC KIDNEY SYNDROME; Acroosteolysis dominant type. Identifiers: Orphanet 955, MedGen C0917715, MONDO:0007057, OMIM 102500.

gnomAD v4.1: 1 of 1,613,688 alleles (0.000062%); highest among the groups gnomAD compares: Non-Finnish European, 0.000085%; no homozygotes.

Submission:

Labcorp Genetics (formerly Invitae), Labcorp
Classification: Uncertain significance for Hajdu-Cheney syndrome. Last evaluated: 2025-11-06. Review status: criteria provided, single submitter. Criteria: Invitae Variant Classification Sherloc (09022015). Collection method: clinical testing. Allele origin: germline.
Comment: This sequence change replaces asparagine, which is neutral and polar, with serine, which is neutral and polar, at codon 987 of the NOTCH2 protein (p.Asn987Ser). This variant is not present in population databases (gnomAD no frequency). This variant has not been reported in the literature in individuals affected with NOTCH2-related conditions. Invitae Evidence Modeling of protein sequence and biophysical properties (such as structural, functional, and spatial information, amino acid conservation, physicochemical variation, residue mobility, and thermodynamic stability) indicates that this missense variant is not expected to disrupt NOTCH2 protein function with a negative predictive value of 80%. In summary, the available evidence is currently insufficient to determine the role of this variant in disease. Therefore, it has been classified as a Variant of Uncertain Significance.